The following is an entry in ClinVar:

ClinVar aggregate classification (germline): Benign. Review status: reviewed by expert panel (3 of 4 stars). 2 submissions from 2 submitters: Benign (1). 1 of the submissions does not count toward it. Last evaluated 2024-09-10.

Conditions:
Hereditary thrombocytopenia and hematologic cancer predisposition syndrome. Identifiers: Orphanet 71290, MedGen CN281654, MONDO:0011071.

Submissions (2):

ClinGen Myeloid Malignancy Variant Curation Expert Panel
Classification: Benign for Hereditary thrombocytopenia and hematologic cancer predisposition syndrome. Last evaluated: 2024-09-10. Review status: reviewed by expert panel. Criteria: ClinGen MyeloMalig ACMG Specifications v2. Collection method: curation. Allele origin: germline. Inheritance: Autosomal dominant inheritance.
Comment: The variant NM_001754.5:c.98-1411_98-1410del is an intronic deletion located in exon 3. Its minor allele frequency (MAF) of 0.006880 (0.688%, 198/28780 alleles) in the general population and 0.02188 (2.188%, 180/8226 alleles) in the African/African American subpopulation of the gnomAD v2.1.1 cohort exceeds ≥ 0.0015 (0.15%) (BA1). Additionally, evolutionary conservation prediction algorithms indicate that the site is not conserved (PhyloP100way score < 2.0 or the variant is the reference nucleotide in one primate and/or three mammal species) (BP7), while SpliceAI predicts no impact on the splice consensus sequence nor creation of a new splice site (BP4). Furthermore, to our knowledge, this variant has not been reported in any patients with RUNX1-related diseases. In summary, this variant meets criteria to be classified as benign. ACMG/AMP criteria applied, as specified by the Myeloid Malignancy Variant Curation Expert Panel for RUNX1: BA1, BP4, BP7.

GeneDx
Classification: Likely benign. Last evaluated: 2019-08-16. Review status: criteria provided, single submitter. Criteria: GeneDx Variant Classification Process June 2021. Collection method: clinical testing. Allele origin: germline. Affected: yes. Not counted in ClinVar's aggregate classification.

NM_001754.5(RUNX1):c.98-1411_98-1410del

Gene: RUNX1 (RUNX family transcription factor 1; minus strand). Cytogenetic location: 21q22.12.
Variant type: Deletion.
Coding change: c.98-1411_98-1410del on transcript NM_001754.5 (MANE Select); 1411 bases into the intron before coding-DNA position 98 through 1410 bases into the intron before coding-DNA position 98, 2 bases deleted (TT; older notation c.98-1411_98-1410delTT).
Molecular consequence: intron variant. On other transcripts: 5 prime UTR variant (2).
Genome position (GRCh38, 1-based): chr21:34,888,506-34,888,507, AA deleted on the plus strand (TT on the coding strand, the reverse complement: RUNX1 is on the minus strand); deleting any 2 consecutive bases within chr21:34,888,506-34,888,514 gives the same sequence; the c. name uses the placement nearest the transcript's 3' end. VCF-style (leftmost placement, unchanged base first): chr21-34888505-CAA-C. GRCh37 (hg19) VCF-style: chr21-36260802-CAA-C.
Other names: c.-1395_-1394del (NM_001001890.3, NM_001122607.2).
Identifiers: ClinVar variation 1187157 (VCV001187157.3), dbSNP rs377766157, ClinGen allele CA320644122.
Genomic context (GRCh38, chr21:34,888,505, plus strand): 5'-AAGAAGTTGAAAACATCCAGCCAAGAAGCCAGTTAATTCAAAAGGAAGAAAGGGGAAAAA[CAA>C]AAAAAAACAACAAAAAAAGGAAGGTCCAACGCAGGCCAAGGAGAAGCAGCAGAGGTTGAC-3'